The following is an entry in ClinVar:

NM_144643.4(SCLT1):c.90T>C (p.Tyr30=)

Gene: SCLT1 (sodium channel and clathrin linker 1; minus strand). Cytogenetic location: 4q28.2.
Variant type: single nucleotide variant.
Coding change: c.90T>C on transcript NM_144643.4 (MANE Select); coding-DNA position 90, T replaced by C.
Protein change: p.Tyr30=; no amino-acid change (tyrosine 30 retained).
Molecular consequence: synonymous variant.
Genome position (GRCh38, 1-based): chr4:129,082,318, A>G on the plus strand (T>C on the coding strand, the complement: SCLT1 is on the minus strand). VCF-style: chr4-129082318-A-G. GRCh37 (hg19) VCF-style: chr4-130003473-A-G.
Other names: c.90T>C (NM_144643.3); c.90T>C, p.Tyr30= (NM_001300897.2, NM_001300898.2, NM_001410807.1).
Identifiers: ClinVar variation 2052378 (VCV002052378.5), dbSNP rs770171419, ClinGen allele CA3080089.

ClinVar aggregate classification (germline): Likely benign. Review status: criteria provided, multiple submitters, no conflicts (2 of 4 stars). 2 submissions from 2 submitters: Likely benign (2). Last evaluated 2025-05-27.

Conditions:
SCLT1-related disorder. Also called: SCLT1-related condition.

Allele frequency attached by ClinVar (database versions not stated): gnomAD exomes 0.00002; gnomAD 0.00003; TOPMed 0.00003; ExAC 0.00004.
gnomAD v4.1: 30 of 1,553,498 alleles (0.0019%); highest among the groups gnomAD compares: Non-Finnish European, 0.00027%; no homozygotes.

Submissions (2):

PreventionGenetics, part of Exact Sciences
Classification: Likely benign for SCLT1-related condition. Last evaluated: 2025-05-27. Review status: criteria provided, single submitter. Criteria: ACMG Guidelines, 2015. Collection method: clinical testing. Allele origin: germline.
Comment: This variant is classified as likely benign based on ACMG/AMP sequence variant interpretation guidelines (Richards et al. 2015 PMID: 25741868, with internal and published modifications).

Labcorp Genetics (formerly Invitae), Labcorp
Classification: Likely benign. Last evaluated: 2025-04-18. Review status: criteria provided, single submitter. Criteria: Invitae Variant Classification Sherloc (09022015). Collection method: clinical testing. Allele origin: germline.